The following is an entry in ClinVar:

NM_002354.3(EPCAM):c.631G>C (p.Asp211His)

Gene: EPCAM (epithelial cell adhesion molecule; plus strand). Cytogenetic location: 2p21.
Variant type: single nucleotide variant.
Coding change: c.631G>C on transcript NM_002354.3 (MANE Select); coding-DNA position 631, G replaced by C.
Protein change: p.Asp211His; replaces aspartic acid 211 with histidine.
Molecular consequence: missense variant.
Genome position (GRCh38, 1-based): chr2:47,379,028, G>C. VCF-style: chr2-47379028-G-C. GRCh37 (hg19) VCF-style: chr2-47606167-G-C.
Other names: short protein forms D211H.
Identifiers: ClinVar variation 4640311 (VCV004640311.1).
Genomic context (GRCh38, chr2:47,379,028, plus strand): 5'-ATCACTATTGATCTGGTTCAAAATTCTTCTCAAAAAACTCAGAATGATGTGGACATAGCT[G>C]ATGTGGCTTATTATTTTGAAAAAGATGTGAGTATCATCTTCTTTATTCCTGTGTTCAGGA-3'
Protein context (NP_002345.2, residues 201-221): QKTQNDVDIA[Asp211His]VAYYFEKDVK

ClinVar aggregate classification (germline): Uncertain significance (1 of 4 stars; one submission).

Conditions:
Hereditary cancer-predisposing syndrome. Also called: Neoplastic Syndromes, Hereditary; Tumor predisposition; Hereditary Cancer Syndrome; Hereditary neoplastic syndrome. Identifiers: Orphanet 140162, MedGen C0027672, MeSH D009386, MONDO:0015356.

Submission:

Ambry Genetics
Classification: Uncertain significance for Hereditary cancer-predisposing syndrome. Last evaluated: 2025-11-17. Review status: criteria provided, single submitter. Criteria: Ambry Variant Classification Scheme 2023. Collection method: clinical testing. Allele origin: germline.
Comment: The p.D211H variant (also known as c.631G>C), located in coding exon 6 of the EPCAM gene, results from a G to C substitution at nucleotide position 631. The aspartic acid at codon 211 is replaced by histidine, an amino acid with similar properties. This amino acid position is conserved. In addition, this alteration is predicted to be deleterious by in silico analysis. Based on the available evidence, the clinical significance of this variant remains unclear.